The following continues an entry in ClinVar:

NM_001130987.2(DYSF):c.3167G>A (p.Arg1056Gln)

Gene: DYSF. ClinVar aggregate classification (germline): Pathogenic. Pathogenic (1).

Submissions 12 to 20 of 20:

SIB Swiss Institute of Bioinformatics
Classification: Likely pathogenic for Autosomal recessive limb-girdle muscular dystrophy type 2B. Last evaluated: 2018-05-31. Review status: criteria provided, single submitter. Criteria: ACMG Guidelines, 2015. Collection method: curation. Allele origin: unknown. Not counted in ClinVar's aggregate classification.
Comment: This variant is interpreted as a Likely Pathogenic, for Muscular dystrophy, limb-girdle, type 2B, in Autosomal Recessive manner. The following ACMG Tag(s) were applied: PM2 => Absent from controls (or at extremely low frequency if recessive) in Exome Sequencing Project, 1000 Genomes Project, or Exome Aggregation Consortium. PP3 => Multiple lines of computational evidence support a deleterious effect on the gene or gene product. PM3-Supporting => PM3 downgraded in strength to Supporting (PMID:18276788). PS3-Moderate => PS3 downgraded in strength to Moderate (PMID:18276788) (PMID:14678801).

CeGaT Center for Human Genetics Tuebingen
Classification: Likely pathogenic. Last evaluated: 2017-12-01. Review status: criteria provided, single submitter. Criteria: CeGaT Center For Human Genetics Tuebingen Variant Classification Criteria Version 2. Collection method: clinical testing. Allele origin: germline. Affected: yes. Observed: 2 variant alleles. Not counted in ClinVar's aggregate classification.

Illumina Laboratory Services, Illumina
Classification: Pathogenic for Dysferlinopathy. Last evaluated: 2017-04-28. Review status: criteria provided, single submitter. Criteria: ICSL Variant Classification Criteria 09 May 2019. Collection method: clinical testing. Allele origin: germline. Not counted in ClinVar's aggregate classification.
Comment: The DYSF c.3113G>A (p.Arg1038Gln) variant has been reported in at least six studies and is found in a total of nine patients with dysferlinopathy, including one homozygote, four presumed compound heterozygotes, one patient where four other variants in this gene were also identified, one heterozygote, and two patients in whom the genotypes were not specified (Cagliani et al. 2003; Nagaraju et al. 2008; Krahn et al. 2009; Xi et al. 2014; Shin et al. 2015 and Quinn et al. 2016). The p.Arg1038Gln variant was absent from 300 control chromosomes and is reported at a frequency of 0.00018 in the European (non-Finnish) population of the Exome Aggregation Consortium. Analysis of protein from muscle tissue revealed 4% residual dysferlin compared to wild type (Cagliani et al. 2003). Based on the collective evidence, the p.Arg1038Gln variant is classified as pathogenic for dysferlinopathy. This variant was observed by ICSL as part of a predisposition screen in an ostensibly healthy population.

Eurofins Ntd Llc (ga)
Classification: Pathogenic. Last evaluated: 2017-04-03. Review status: criteria provided, single submitter. Criteria: EGL Classification Definitions 2015. Collection method: clinical testing. Allele origin: germline. Observed: 2 variant alleles, 2 heterozygotes. Not counted in ClinVar's aggregate classification.

Juno Genomics, Hangzhou Juno Genomics, Inc
Classification: Pathogenic for Miyoshi muscular dystrophy 1; Autosomal recessive limb-girdle muscular dystrophy type 2B; Distal myopathy with anterior tibial onset. Review status: criteria provided, single submitter. Criteria: ACMG Guidelines, 2015. Collection method: clinical testing. Allele origin: germline. Not counted in ClinVar's aggregate classification.
Comment: Absent from controls (or at extremely low frequency if recessive) in Genome Aggregation Database.;Well-established in vitro or in vivo functional studies supportive of a damaging effect on the gene or gene product.;For recessive disorders, detected in trans with a pathogenic variant.

Solve-RD Consortium
Classification: Likely pathogenic for Distal myopathy with anterior tibial onset. Last evaluated: 2022-06-01. Review status: no assertion criteria provided. Collection method: provider interpretation. Allele origin: inherited. Affected: yes. Not counted in ClinVar's aggregate classification.
Comment: Variant confirmed as disease-causing by referring clinical team

Variant identified during reanalysis of unsolved cases by the Solve-RD project. The Solve-RD project has received funding from the European Union’s Horizon 2020 research and innovation programme under grant agreement No 779257.

Counsyl
Classification: Likely pathogenic for Autosomal recessive limb-girdle muscular dystrophy type 2B. Last evaluated: 2017-11-02. Review status: no assertion criteria provided. Collection method: clinical testing. Allele origin: unknown. Not counted in ClinVar's aggregate classification.

Joint Genome Diagnostic Labs from Nijmegen and Maastricht, Radboudumc and MUMC+
Classification: Uncertain significance. Review status: no assertion criteria provided. Collection method: clinical testing. Allele origin: germline. Affected: yes. Study: VKGL Data-share Consensus. Not counted in ClinVar's aggregate classification.

Laboratory of Diagnostic Genome Analysis, Leiden University Medical Center (LUMC)
Classification: Uncertain significance. Review status: no assertion criteria provided. Collection method: clinical testing. Allele origin: germline. Affected: yes. Study: VKGL Data-share Consensus. Not counted in ClinVar's aggregate classification.

Literature cited by the submitters: PubMed 33610434 (cited by 3billion); PubMed 14678801 (cited by 5 submitters); PubMed 33560664 (cited by Natera, Inc.); PubMed 27854218 (cited by Natera, Inc.); PubMed 18832576 (cited by Labcorp Genetics (formerly Invitae), Labcorp and Counsyl); PubMed 18853459 (cited by Labcorp Genetics (formerly Invitae), Labcorp and Illumina Laboratory Services, Illumina); PubMed 25591676 (cited by Labcorp Genetics (formerly Invitae), Labcorp and Illumina Laboratory Services, Illumina); PubMed 27821570 (cited by Labcorp Genetics (formerly Invitae), Labcorp and Illumina Laboratory Services, Illumina); PubMed 18276788 (cited by SIB Swiss Institute of Bioinformatics and Illumina Laboratory Services, Illumina); PubMed 25868377 (cited by Illumina Laboratory Services, Illumina and Counsyl); PubMed 39825153 (cited by Solve-RD Consortium); PubMed 24488599 (cited by Counsyl).